The following is an entry in ClinVar:

NC_000009.12:g.70810020C>T

Genes: MIR204 (microRNA 204; minus strand), TRPM3 (transient receptor potential cation channel subfamily M member 3; minus strand). Cytogenetic location: 9q21.12.
Variant type: single nucleotide variant.
Molecular consequence: intron variant (on NM_001366145.2). On other transcripts: non-coding transcript variant (1).
Genome position: GRCh38 VCF-style: chr9-70810020-C-T. GRCh37 (hg19) VCF-style: chr9-73424936-C-T.
Other names: c.979+17827G>A (NM_001366143.2, NM_001366141.2, NM_001366142.2 and 1 more transcripts); c.973+17827G>A (NM_001366150.2, NM_001366151.2, NM_001007471.4 and 4 more transcripts); c.1048+1150G>A (NM_001366148.2, NM_001366152.2, NM_001366147.2); c.514+17827G>A (NM_206944.5, NM_020952.6, NM_206945.5 and 3 more transcripts); c.589+1150G>A (NM_206947.5, NM_206946.5, NM_001007470.3).
Identifiers: ClinVar variation 1904056 (VCV001904056.5), dbSNP rs748489850, ClinGen allele CA5078770.

ClinVar aggregate classification (germline): Uncertain significance (1 of 4 stars; one submission).

Allele frequency attached by ClinVar (database versions not stated): ExAC 0.00001.

Submission:

Labcorp Genetics (formerly Invitae), Labcorp
Classification: Uncertain significance. Last evaluated: 2022-10-07. Review status: criteria provided, single submitter. Criteria: Invitae Variant Classification Sherloc (09022015). Collection method: clinical testing. Allele origin: germline.
Comment: This variant occurs in the MIR204 gene, which encodes an RNA molecule that does not result in a protein product. This variant is present in population databases (rs748489850, gnomAD 0.006%). This variant has not been reported in the literature in individuals affected with MIR204-related conditions. Experimental studies and prediction algorithms are not available or were not evaluated, and the functional significance of this variant is currently unknown. In summary, the available evidence is currently insufficient to determine the role of this variant in disease. Therefore, it has been classified as a Variant of Uncertain Significance.